The following is an entry in ClinVar:

ClinVar aggregate classification (germline): Likely benign (1 of 4 stars; one submission).

gnomAD v4.1: 17 of 1,609,372 alleles (0.0011%); highest among the groups gnomAD compares: South Asian, 0.0011%; no homozygotes.

Submission:

CeGaT Center for Human Genetics Tuebingen
Classification: Likely benign. Last evaluated: 2024-12-01. Review status: criteria provided, single submitter. Criteria: CeGaT Center For Human Genetics Tuebingen Variant Classification Criteria Version 2. Collection method: clinical testing. Allele origin: germline. Affected: yes. Observed: 1 variant allele.
Comment: RTTN: BP4, BP7

NM_173630.4(RTTN):c.2922G>A (p.Ser974=)

Gene: RTTN (rotatin; minus strand). Cytogenetic location: 18q22.2.
Variant type: single nucleotide variant.
Coding change: c.2922G>A on transcript NM_173630.4 (MANE Select); coding-DNA position 2922, G replaced by A.
Protein change: p.Ser974=; no amino-acid change (serine 974 retained).
Molecular consequence: synonymous variant.
Genome position (GRCh38, 1-based): chr18:70,134,505, C>T on the plus strand (G>A on the coding strand, the complement: RTTN is on the minus strand). VCF-style: chr18-70134505-C-T. GRCh37 (hg19) VCF-style: chr18-67801741-C-T.
Other names: c.186G>A, p.Ser62= (NM_001318520.2).
Identifiers: ClinVar variation 3771161 (VCV003771161.13).